The following is an entry in ClinVar:

ClinVar aggregate classification (germline): Uncertain significance. Review status: criteria provided, single submitter (1 of 4 stars). 2 submissions from 2 submitters: Uncertain significance (1). 1 of the submissions does not count toward it. Last evaluated 2023-03-04.

Conditions:
Autosomal dominant Parkinson disease 8. Also called: LRRK2-Related Parkinson Disease; Parkinson disease 8; Parkinson disease 8, susceptibility to. Identifiers: Orphanet 411602, MedGen C1846862, MONDO:0011764, OMIM 607060.

Allele frequency attached by ClinVar (database versions not stated): gnomAD exomes 0.00003 and 0.00005; TOPMed 0.00001; ExAC 0.00002; ESP Exome Variant Server 0.00015.
gnomAD v4.1: 70 of 1,611,348 alleles (0.0043%); highest among the groups gnomAD compares: Admixed American, 0.0067%; no homozygotes.

Submissions (2):

Labcorp Genetics (formerly Invitae), Labcorp
Classification: Uncertain significance for Autosomal dominant Parkinson disease 8. Last evaluated: 2023-03-04. Review status: criteria provided, single submitter. Criteria: Invitae Variant Classification Sherloc (09022015). Collection method: clinical testing. Allele origin: germline.
Comment: In summary, the available evidence is currently insufficient to determine the role of this variant in disease. Therefore, it has been classified as a Variant of Uncertain Significance. Experimental studies have shown that this missense change does not substantially affect LRRK2 function (PMID: 35950872). Advanced modeling of protein sequence and biophysical properties (such as structural, functional, and spatial information, amino acid conservation, physicochemical variation, residue mobility, and thermodynamic stability) has been performed at Invitae for this missense variant, however the output from this modeling did not meet the statistical confidence thresholds required to predict the impact of this variant on LRRK2 protein function. ClinVar contains an entry for this variant (Variation ID: 39235). This missense change has been observed in individual(s) with Parkinson disease (PMID: 18098275, 21885347, 25466404). This variant is present in population databases (rs79546190, gnomAD 0.007%). This sequence change replaces valine, which is neutral and non-polar, with methionine, which is neutral and non-polar, at codon 2390 of the LRRK2 protein (p.Val2390Met).

GeneReviews
No classification provided. Condition: Autosomal dominant Parkinson disease 8. Review status: no classification provided. Collection method: literature only. Allele origin: unknown. Not counted in ClinVar's aggregate classification.

Literature cited by the submitters: PubMed 35950872 (cited by Labcorp Genetics (formerly Invitae), Labcorp); PubMed 18098275 (cited by Labcorp Genetics (formerly Invitae), Labcorp); PubMed 21885347 (cited by Labcorp Genetics (formerly Invitae), Labcorp); PubMed 25466404 (cited by Labcorp Genetics (formerly Invitae), Labcorp); PubMed 20301387 (cited by GeneReviews); NCBI Bookshelf NBK1208 (cited by GeneReviews).

NM_198578.4(LRRK2):c.7168G>A (p.Val2390Met)

Gene: LRRK2 (leucine rich repeat kinase 2; plus strand). Cytogenetic location: 12q12.
Variant type: single nucleotide variant.
Coding change: c.7168G>A on transcript NM_198578.4 (MANE Select); coding-DNA position 7168, G replaced by A.
Protein change: p.Val2390Met; replaces valine 2390 with methionine.
Molecular consequence: missense variant.
Genome position (GRCh38, 1-based): chr12:40,363,541, G>A. VCF-style: chr12-40363541-G-A. GRCh37 (hg19) VCF-style: chr12-40757343-G-A.
Other names: short protein forms V2390M.
Identifiers: ClinVar variation 39235 (VCV000039235.6), dbSNP rs79546190, ClinGen allele CA343681.
Genomic context (GRCh38, chr12:40,363,541, plus strand): 5'-AGCCCTGTTGTGGAAGTGTGGGATAAGAAAACTGAAAAACTCTGTGGACTAATAGACTGC[G>A]TGCACTTTTTAAGGTAAATTCTGTGGTTTTTAATTTTATTCCCAAAAGAATTATCTTTGC-3'
Protein context (NP_940980.4, residues 2380-2400): TEKLCGLIDC[Val2390Met]HFLREVMVKE